The following is an entry in ClinVar:

NM_002439.5(MSH3):c.1099T>C (p.Tyr367His)

Gene: MSH3 (mutS homolog 3; plus strand). Cytogenetic location: 5q14.1.
Variant type: single nucleotide variant.
Coding change: c.1099T>C on transcript NM_002439.5 (MANE Select); coding-DNA position 1099, T replaced by C.
Protein change: p.Tyr367His; replaces tyrosine 367 with histidine.
Molecular consequence: missense variant.
Genome position (GRCh38, 1-based): chr5:80,675,054, T>C. VCF-style: chr5-80675054-T-C. GRCh37 (hg19) VCF-style: chr5-79970873-T-C.
Other names: short protein forms Y367H.
Identifiers: ClinVar variation 2861931 (VCV002861931.3), dbSNP rs1749808647, ClinGen allele CA360268088.

ClinVar aggregate classification (germline): Uncertain significance (1 of 4 stars; one submission).

Allele frequency attached by ClinVar (database versions not stated): gnomAD exomes below 0.00001.
gnomAD v4.1: 1 of 1,613,578 alleles (0.000062%); highest among the groups gnomAD compares: Non-Finnish European, 0.000085%; no homozygotes.

Submission:

Labcorp Genetics (formerly Invitae), Labcorp
Classification: Uncertain significance. Last evaluated: 2023-05-04. Review status: criteria provided, single submitter. Criteria: Invitae Variant Classification Sherloc (09022015). Collection method: clinical testing. Allele origin: germline.
Comment: In summary, the available evidence is currently insufficient to determine the role of this variant in disease. Therefore, it has been classified as a Variant of Uncertain Significance. An algorithm developed to predict the effect of missense changes on protein structure and function (PolyPhen-2) suggests that this variant is likely to be disruptive. This variant has not been reported in the literature in individuals affected with MSH3-related conditions. This variant is not present in population databases (gnomAD no frequency). This sequence change replaces tyrosine, which is neutral and polar, with histidine, which is basic and polar, at codon 367 of the MSH3 protein (p.Tyr367His).